The following is an entry in ClinVar:

NM_012434.5(SLC17A5):c.1454G>A (p.Trp485Ter)

Gene: SLC17A5 (solute carrier family 17 member 5; minus strand). Cytogenetic location: 6q13.
Variant type: single nucleotide variant.
Coding change: c.1454G>A on transcript NM_012434.5 (MANE Select); coding-DNA position 1454, G replaced by A.
Protein change: p.Trp485Ter; replaces tryptophan 485 with a stop codon.
Molecular consequence: nonsense. On other transcripts: missense variant (2).
Genome position (GRCh38, 1-based): chr6:73,595,111, C>T on the plus strand (G>A on the coding strand, the complement: SLC17A5 is on the minus strand). VCF-style: chr6-73595111-C-T. GRCh37 (hg19) VCF-style: chr6-74304834-C-T.
Other names: c.1223G>A, p.Trp408Ter (NM_001382629.1); c.1363G>A, p.Gly455Arg (NM_001382630.1); c.1475G>A, p.Trp492Ter (NM_001382631.1); c.1367G>A, p.Trp456Ter (NM_001382632.1); c.1552G>A, p.Gly518Arg (NM_001382633.1); c.1295G>A, p.Trp432Ter (NM_001382634.1); c.1451G>A, p.Trp484Ter (NM_001382635.1); c.1136G>A, p.Trp379Ter (NM_001382636.1); and 1 more; short protein forms G455R, G518R, W379*, W408*, W432*, W456*, W484*, W485*.
Identifiers: ClinVar variation 2445840 (VCV002445840.1), dbSNP rs1766732819, ClinGen allele CA364718533.
Genomic context (GRCh38, chr6:73,595,111, plus strand): 5'-AGAGGCAGGATTATTTATTGGTTCCTTCAGTGTCTGTGTCCATGGTGATCATTGAGAGCC[C>T]AGTTTTGTACTTCACCTTTGGCGAATAGTGTAAAGAAAATGGCACCAAAAACATTAATAG-3'

ClinVar aggregate classification (germline): Uncertain significance (1 of 4 stars; one submission).

Submission:

Women's Health and Genetics/Laboratory Corporation of America, LabCorp
Classification: Uncertain significance. Last evaluated: 2023-02-14. Review status: criteria provided, single submitter. Criteria: LabCorp Variant Classification Summary - May 2015. Collection method: clinical testing. Allele origin: germline.
Comment: Variant summary: SLC17A5 c.1454G>A (p.Trp485X) results in a premature termination codon. While this variant is not anticipated to result in nonsense mediated decay, it is expected to disrupt the last ~10 amino acids of the protein. Truncations downstream of this position have not been classified as pathogenic by our laboratory or in Clinvar. The variant was absent in 251458 control chromosomes. To our knowledge, no occurrence of c.1454G>A in individuals affected with Sialic Acid Storage Disorder and no experimental evidence demonstrating its impact on protein function have been reported. No clinical diagnostic laboratories have submitted clinical-significance assessments for this variant to ClinVar after 2014. Based on the evidence outlined above, the variant was classified as VUS.